The following is an entry in ClinVar:

ClinVar aggregate classification (germline): Uncertain significance (1 of 4 stars; one submission).

Conditions:
Congenital myasthenic syndrome 5. Identifiers: Orphanet 590, MedGen C1864233, MONDO:0011281, OMIM 603034.

Allele frequency attached by ClinVar (database versions not stated): gnomAD exomes below 0.00001.
gnomAD v4.1: 4 of 1,614,010 alleles (0.00025%); highest among the groups gnomAD compares: South Asian, 0.0044%; no homozygotes.

Submission:

Labcorp Genetics (formerly Invitae), Labcorp
Classification: Uncertain significance for Congenital myasthenic syndrome 5. Last evaluated: 2022-07-06. Review status: criteria provided, single submitter. Criteria: Invitae Variant Classification Sherloc (09022015). Collection method: clinical testing. Allele origin: germline.
Comment: In summary, the available evidence is currently insufficient to determine the role of this variant in disease. Therefore, it has been classified as a Variant of Uncertain Significance. Algorithms developed to predict the effect of sequence changes on RNA splicing suggest that this variant may create or strengthen a splice site. Algorithms developed to predict the effect of missense changes on protein structure and function are either unavailable or do not agree on the potential impact of this missense change (SIFT: "Tolerated"; PolyPhen-2: "Not Available"; Align-GVGD: "Class C0"). ClinVar contains an entry for this variant (Variation ID: 859485). This variant has not been reported in the literature in individuals affected with COLQ-related conditions. This variant is not present in population databases (gnomAD no frequency). This sequence change replaces aspartic acid, which is acidic and polar, with glutamic acid, which is acidic and polar, at codon 193 of the COLQ protein (p.Asp193Glu).

NM_005677.4(COLQ):c.579C>G (p.Asp193Glu)

Gene: COLQ (collagen like tail subunit of asymmetric acetylcholinesterase; minus strand). Cytogenetic location: 3p25.1.
Variant type: single nucleotide variant.
Coding change: c.579C>G on transcript NM_005677.4 (MANE Select); coding-DNA position 579, C replaced by G.
Protein change: p.Asp193Glu; replaces aspartic acid 193 with glutamic acid.
Molecular consequence: missense variant.
Genome position (GRCh38, 1-based): chr3:15,474,249, G>C on the plus strand (C>G on the coding strand, the complement: COLQ is on the minus strand). VCF-style: chr3-15474249-G-C. GRCh37 (hg19) VCF-style: chr3-15515756-G-C.
Other names: c.549C>G, p.Asp183Glu (NM_080538.2); c.477C>G, p.Asp159Glu (NM_080539.4); short protein forms D159E, D193E, D183E.
Identifiers: ClinVar variation 859485 (VCV000859485.9), dbSNP rs2062339652, ClinGen allele CA351598423.